The following is an entry in ClinVar:

NM_018699.4(PRDM5):c.596T>A (p.Phe199Tyr)

Gene: PRDM5 (PR/SET domain 5; minus strand). Cytogenetic location: 4q27.
Variant type: single nucleotide variant.
Coding change: c.596T>A on transcript NM_018699.4 (MANE Select); coding-DNA position 596, T replaced by A.
Protein change: p.Phe199Tyr; replaces phenylalanine 199 with tyrosine.
Molecular consequence: missense variant.
Genome position (GRCh38, 1-based): chr4:120,818,407, A>T on the plus strand (T>A on the coding strand, the complement: PRDM5 is on the minus strand). VCF-style: chr4-120818407-A-T. GRCh37 (hg19) VCF-style: chr4-121739562-A-T.
Other names: c.596T>A, p.Phe199Tyr (NM_001300823.2, NM_001300824.2, NM_001379104.1 and 1 more transcripts); short protein forms F199Y.
Identifiers: ClinVar variation 3424722 (VCV003424722.1).

ClinVar aggregate classification (germline): Uncertain significance (1 of 4 stars; one submission).

Conditions:
Cardiovascular phenotype. Identifiers: MedGen CN230736.

Submission:

Ambry Genetics
Classification: Uncertain significance for Cardiovascular phenotype. Last evaluated: 2024-10-22. Review status: criteria provided, single submitter. Criteria: Ambry Variant Classification Scheme 2023. Collection method: clinical testing. Allele origin: germline.
Comment: The p.F199Y variant (also known as c.596T>A), located in coding exon 5 of the PRDM5 gene, results from a T to A substitution at nucleotide position 596. The phenylalanine at codon 199 is replaced by tyrosine, an amino acid with highly similar properties. This amino acid position is conserved. In addition, this alteration is predicted to be tolerated by in silico analysis. Based on the available evidence, the clinical significance of this variant remains unclear.